The following is an entry in ClinVar:

ClinVar aggregate classification (germline): Likely benign. Review status: criteria provided, multiple submitters, no conflicts (2 of 4 stars). 5 submissions from 5 submitters: Likely benign (2). 3 of the submissions do not count toward it. Last evaluated 2021-04-02.

Conditions:
RAD51D-related disorder. Also called: RAD51D-related condition.
Hereditary cancer-predisposing syndrome. Also called: Tumor predisposition; Hereditary neoplastic syndrome; Neoplastic Syndromes, Hereditary; Hereditary Cancer Syndrome. Identifiers: Orphanet 140162, MedGen C0027672, MeSH D009386, MONDO:0015356.
Breast-ovarian cancer, familial, susceptibility to, 4. Identifiers: Orphanet 145, MedGen C3280345, MONDO:0013669, OMIM 614291.

Allele frequency attached by ClinVar (database versions not stated): gnomAD exomes 0.00011 and 0.00029; ExAC 0.00033; 1000 Genomes Project 30x 0.00094; 1000 Genomes Project 0.00100; gnomAD 0.00107 and 0.00116; TOPMed 0.00124; ESP Exome Variant Server 0.00146.
gnomAD v4.1: 324 of 1,613,862 alleles (0.02%); highest among the groups gnomAD compares: African/African-American, 0.39%; no homozygotes.

Submissions (5):

ARUP Laboratories, Molecular Genetics and Genomics, ARUP Laboratories
Classification: Likely benign for Breast-ovarian cancer, familial, susceptibility to, 4. Last evaluated: 2021-04-02. Review status: criteria provided, single submitter. Criteria: ARUP Molecular Germline Variant Investigation Process 2021. Collection method: clinical testing. Allele origin: germline.

Mendelics
Classification: Likely benign for Breast-ovarian cancer, familial, susceptibility to, 4. Last evaluated: 2019-05-28. Review status: criteria provided, single submitter. Criteria: Mendelics Assertion Criteria 2017. Collection method: clinical testing. Allele origin: unknown.

PreventionGenetics, part of Exact Sciences
Classification: Likely benign for RAD51D-related condition. Last evaluated: 2019-07-09. Review status: no assertion criteria provided. Collection method: clinical testing. Allele origin: germline. Not counted in ClinVar's aggregate classification.
Comment: This variant is classified as likely benign based on ACMG/AMP sequence variant interpretation guidelines (Richards et al. 2015 PMID: 25741868, with internal and published modifications).

True Health Diagnostics
Classification: Likely benign for Hereditary cancer-predisposing syndrome. Last evaluated: 2017-09-29. Review status: no assertion criteria provided. Collection method: clinical testing. Allele origin: germline. Not counted in ClinVar's aggregate classification.

Counsyl
Classification: Likely benign for Breast-ovarian cancer, familial, susceptibility to, 4. Last evaluated: 2016-07-30. Review status: no assertion criteria provided. Collection method: clinical testing. Allele origin: unknown. Not counted in ClinVar's aggregate classification.

NM_002878.4(RAD51D):c.263+1509C>T

Genes: RAD51D (RAD51 paralog D; minus strand), RAD51L3-RFFL (RAD51L3-RFFL readthrough; minus strand). Cytogenetic location: 17q12.
Variant type: single nucleotide variant.
Coding change: c.263+1509C>T on transcript NM_002878.4 (MANE Select); 1509 bases into the intron after coding-DNA position 263, C replaced by T.
Molecular consequence: intron variant. On other transcripts: missense variant (1).
Genome position (GRCh38, 1-based): chr17:35,116,992, G>A on the plus strand (C>T on the coding strand, the complement: RAD51D is on the minus strand). VCF-style: chr17-35116992-G-A. GRCh37 (hg19) VCF-style: chr17-33444011-G-A.
Other names: c.190C>T, p.Pro64Ser (NM_001142571.2); c.144+2119C>T (NM_133629.3); short protein forms P64S.
Identifiers: ClinVar variation 371900 (VCV000371900.13), dbSNP rs201506572, ClinGen allele CA8499592.